The following is an entry in ClinVar:

NM_001042492.3(NF1):c.5007T>G (p.Phe1669Leu)

Gene: NF1 (neurofibromin 1; plus strand). Cytogenetic location: 17q11.2.
Variant type: single nucleotide variant.
Coding change: c.5007T>G on transcript NM_001042492.3 (MANE Select); coding-DNA position 5007, T replaced by G.
Protein change: p.Phe1669Leu; replaces phenylalanine 1669 with leucine.
Molecular consequence: missense variant.
Genome position (GRCh38, 1-based): chr17:31,325,991, T>G. VCF-style: chr17-31325991-T-G. GRCh37 (hg19) VCF-style: chr17-29653009-T-G.
Other names: c.4944T>G, p.Phe1648Leu (NM_000267.4); short protein forms F1648L, F1669L.
Identifiers: ClinVar variation 825315 (VCV000825315.5), dbSNP rs761807609, ClinGen allele CA399007304.

ClinVar aggregate classification (germline): Uncertain significance. Review status: criteria provided, multiple submitters, no conflicts (2 of 4 stars). 2 submissions from 2 submitters: Uncertain significance (2). Last evaluated 2025-02-10.

Conditions:
Hereditary cancer-predisposing syndrome. Also called: Neoplastic Syndromes, Hereditary; Hereditary Cancer Syndrome; Hereditary neoplastic syndrome; Tumor predisposition. Identifiers: Orphanet 140162, MedGen C0027672, MeSH D009386, MONDO:0015356.
Cardiovascular phenotype. Identifiers: MedGen CN230736.
Neurofibromatosis, type 1 (NF1). Also called: Neurofibromatosis, type I; Peripheral type neurofibromatosis; VON RECKLINGHAUSEN DISEASE; NEUROFIBROMATOSIS, TYPE I, SOMATIC. Identifiers: Orphanet 636, MedGen C0027831, MONDO:0018975, OMIM 162200. Disease mechanism: loss of function.

Submissions (2):

Labcorp Genetics (formerly Invitae), Labcorp
Classification: Uncertain significance for Neurofibromatosis, type 1. Last evaluated: 2025-02-10. Review status: criteria provided, single submitter. Criteria: Invitae Variant Classification Sherloc (09022015). Collection method: clinical testing. Allele origin: germline.
Comment: This sequence change replaces phenylalanine, which is neutral and non-polar, with leucine, which is neutral and non-polar, at codon 1648 of the NF1 protein (p.Phe1648Leu). This variant is not present in population databases (gnomAD no frequency). This variant has not been reported in the literature in individuals affected with NF1-related conditions. ClinVar contains an entry for this variant (Variation ID: 825315). Invitae Evidence Modeling of protein sequence and biophysical properties (such as structural, functional, and spatial information, amino acid conservation, physicochemical variation, residue mobility, and thermodynamic stability) indicates that this missense variant is not expected to disrupt NF1 protein function with a negative predictive value of 95%. In summary, the available evidence is currently insufficient to determine the role of this variant in disease. Therefore, it has been classified as a Variant of Uncertain Significance.

Ambry Genetics
Classification: Uncertain significance for Cardiovascular phenotype; Hereditary cancer-predisposing syndrome. Last evaluated: 2019-09-04. Review status: criteria provided, single submitter. Criteria: Ambry Variant Classification Scheme 2023. Collection method: clinical testing. Allele origin: germline.